The following is an entry in ClinVar:

NM_004813.4(PEX16):c.873T>C (p.Tyr291=)

Gene: PEX16 (peroxisomal biogenesis factor 16; minus strand). Cytogenetic location: 11p11.2.
Variant type: single nucleotide variant.
Coding change: c.873T>C on transcript NM_004813.4 (MANE Select); coding-DNA position 873, T replaced by C.
Protein change: p.Tyr291=; no amino-acid change (tyrosine 291 retained).
Molecular consequence: synonymous variant.
Genome position (GRCh38, 1-based): chr11:45,913,833, A>G on the plus strand (T>C on the coding strand, the complement: PEX16 is on the minus strand). VCF-style: chr11-45913833-A-G. GRCh37 (hg19) VCF-style: chr11-45935384-A-G.
Other names: c.873T>C, p.Tyr291= (NM_057174.3).
Identifiers: ClinVar variation 259547 (VCV000259547.25), dbSNP rs1132349, ClinGen allele CA5959793.

ClinVar aggregate classification (germline): Benign/Likely benign. Review status: criteria provided, multiple submitters, no conflicts (2 of 4 stars). 11 submissions from 10 submitters: Benign (7); Likely benign (1). 3 of the submissions do not count toward it. Last evaluated 2026-02-04.

Conditions:
Peroxisome biogenesis disorder 8A (Zellweger). Also called: Peroxisome biogenesis disorder 8A. Identifiers: Orphanet 912, MedGen C3553959, MONDO:0013942, OMIM 614876.
Peroxisome biogenesis disorder 8B (PBD8B). Identifiers: Orphanet 44, MedGen C3553960, MONDO:0013943, OMIM 614877.
Peroxisome biogenesis disorder. Identifiers: Orphanet 79189, MedGen C1832200, MONDO:0019234. Disease mechanism: loss of function.

Allele frequency attached by ClinVar (database versions not stated): 1000 Genomes Project 0.68910; 1000 Genomes Project 30x 0.69207; TOPMed 0.75751; gnomAD 0.78890 and 0.79011; gnomAD exomes 0.80856 and 0.88649; ESP Exome Variant Server 0.81137; ExAC 0.81545.
gnomAD v4.1: 1,414,403 of 1,613,690 alleles (88%); highest among the groups gnomAD compares: Non-Finnish European, 92%; 633,190 homozygotes.

Submissions (11):

Labcorp Genetics (formerly Invitae), Labcorp
Classification: Benign for Peroxisome biogenesis disorder. Last evaluated: 2026-02-04. Review status: criteria provided, single submitter. Criteria: Invitae Variant Classification Sherloc (09022015). Collection method: clinical testing. Allele origin: germline.

Blueprint Genetics
Classification: Likely benign. Last evaluated: 2024-11-27. Review status: criteria provided, single submitter. Criteria: ACMG Guidelines, 2015. Collection method: clinical testing. Allele origin: germline.

Genome-Nilou Lab
Classification: Benign for Peroxisome biogenesis disorder 8A (Zellweger). Last evaluated: 2021-09-05. Review status: criteria provided, single submitter. Criteria: ACMG Guidelines, 2015. Collection method: clinical testing. Allele origin: germline. Affected: no.

Genome-Nilou Lab
Classification: Benign for Peroxisome biogenesis disorder 8B. Last evaluated: 2021-09-05. Review status: criteria provided, single submitter. Criteria: ACMG Guidelines, 2015. Collection method: clinical testing. Allele origin: germline. Affected: no.

GeneDx
Classification: Benign. Last evaluated: 2018-06-13. Review status: criteria provided, single submitter. Criteria: GeneDx Variant Classification (06012015). Collection method: clinical testing. Allele origin: germline. Affected: yes.
Comment: This variant is considered likely benign or benign based on one or more of the following criteria: it is a conservative change, it occurs at a poorly conserved position in the protein, it is predicted to be benign by multiple in silico algorithms, and/or has population frequency not consistent with disease.

Illumina Laboratory Services, Illumina
Classification: Benign for Peroxisome biogenesis disorder 8A (Zellweger). Last evaluated: 2018-01-13. Review status: criteria provided, single submitter. Criteria: ICSL Variant Classification Criteria 13 December 2019. Collection method: clinical testing. Allele origin: germline.
Comment: This variant was observed in the ICSL laboratory as part of a predisposition screen in an ostensibly healthy population. It had not been previously curated by ICSL or reported in the Human Gene Mutation Database (HGMD: prior to June 1st, 2018), and was therefore a candidate for classification through an automated scoring system. Utilizing variant allele frequency, disease prevalence and penetrance estimates, and inheritance mode, an automated score was calculated to assess if this variant is too frequent to cause the disease. Based on the score and internal cut-off values, a variant classified as benign is not then subjected to further curation. The score for this variant resulted in a classification of benign for this disease.

Breakthrough Genomics
Classification: Benign. Review status: criteria provided, single submitter. Criteria: ACMG Guidelines, 2015. Collection method: not provided. Allele origin: germline. Inheritance: Autosomal recessive inheritance. Affected: yes.

PreventionGenetics, part of Exact Sciences
Classification: Benign. Review status: criteria provided, single submitter. Criteria: ACMG Guidelines, 2015. Collection method: clinical testing. Allele origin: germline.

Mayo Clinic Laboratories, Mayo Clinic
Classification: Benign. Last evaluated: 2015-10-21. Review status: no assertion criteria provided. Collection method: clinical testing. Allele origin: unknown. Not counted in ClinVar's aggregate classification.

Clinical Genetics, Academic Medical Center
Classification: Benign. Review status: no assertion criteria provided. Collection method: clinical testing. Allele origin: germline. Affected: yes. Study: VKGL Data-share Consensus. Not counted in ClinVar's aggregate classification.

Diagnostic Laboratory, Department of Genetics, University Medical Center Groningen
Classification: Benign. Review status: no assertion criteria provided. Collection method: clinical testing. Allele origin: germline. Affected: yes. Study: VKGL Data-share Consensus. Not counted in ClinVar's aggregate classification.